The following is an entry in ClinVar:

ClinVar aggregate classification (germline): Uncertain significance (1 of 4 stars; one submission).

Conditions:
Hereditary pheochromocytoma and paraganglioma. Also called: Hereditary pheochromocytoma-paraganglioma; Hereditary Paraganglioma-Pheochromocytoma Syndromes; Hereditary paragangliomas and pheochromocytomas. Identifiers: Orphanet 29072, MedGen C4274332, MONDO:0017366.

Submission:

Labcorp Genetics (formerly Invitae), Labcorp
Classification: Uncertain significance for Hereditary pheochromocytoma and paraganglioma. Last evaluated: 2025-12-17. Review status: criteria provided, single submitter. Criteria: Invitae Variant Classification Sherloc (09022015). Collection method: clinical testing. Allele origin: germline.
Comment: This sequence change falls in intron 4 of the MAX gene. It does not directly change the encoded amino acid sequence of the MAX protein. It affects a nucleotide within the consensus splice site. This variant is not present in population databases (gnomAD no frequency). This variant has not been reported in the literature in individuals affected with MAX-related conditions. Variants that disrupt the consensus splice site are a relatively common cause of aberrant splicing (PMID: 17576681, 9536098). Algorithms developed to predict the effect of sequence changes on RNA splicing suggest that this variant is not likely to affect RNA splicing. In summary, the available evidence is currently insufficient to determine the role of this variant in disease. Therefore, it has been classified as a Variant of Uncertain Significance.

Literature cited by the submitters: PubMed 17576681; PubMed 9536098.

NM_002382.5(MAX):c.295+3G>A

Gene: MAX (MYC associated transcriptional regulator X; minus strand). Cytogenetic location: 14q23.3.
Variant type: single nucleotide variant.
Coding change: c.295+3G>A on transcript NM_002382.5 (MANE Select); 3 bases into the intron after coding-DNA position 295, G replaced by A.
Molecular consequence: intron variant.
Genome position (GRCh38, 1-based): chr14:65,077,910, C>T on the plus strand (G>A on the coding strand, the complement: MAX is on the minus strand). VCF-style: chr14-65077910-C-T. GRCh37 (hg19) VCF-style: chr14-65544628-C-T.
Other names: c.144+15798G>A (NM_001271069.2); c.171+15798G>A (NM_197957.4); c.-73+3G>A (NM_001407112.1, NM_001407111.1); c.21+3G>A (NM_001407106.1, NM_001407107.1, NM_001320415.2 and 1 more transcripts); c.268+3G>A (NM_001407095.1, NM_001407110.1, NM_001407102.1 and 6 more transcripts); c.295+3G>A (NM_001407094.1, NM_001407104.1, NM_001407103.1 and 3 more transcripts); c.187+3G>A (NM_001407098.1).
Identifiers: ClinVar variation 4733478 (VCV004733478.1).